The following is an entry in ClinVar:

ClinVar aggregate classification (germline): Uncertain significance. Review status: criteria provided, multiple submitters, no conflicts (2 of 4 stars). 4 submissions from 4 submitters: Uncertain significance (4). Last evaluated 2025-10-01.

Conditions:
POLD1-related polyposis and colorectal cancer syndrome (CRCS10). Also called: Colorectal cancer 10; COLORECTAL CANCER, SUSCEPTIBILITY TO, ON CHROMOSOME 19q; Colorectal cancer, susceptibility to, 10. Identifiers: Orphanet 220460, MedGen C2675481, MONDO:0012953, OMIM 612591.
Hereditary cancer-predisposing syndrome. Also called: Neoplastic Syndromes, Hereditary; Hereditary neoplastic syndrome; Tumor predisposition; Hereditary Cancer Syndrome. Identifiers: Orphanet 140162, MedGen C0027672, MeSH D009386, MONDO:0015356.

Allele frequency attached by ClinVar (database versions not stated): TOPMed below 0.00001; gnomAD 0.00001; gnomAD exomes 0.00001; ExAC 0.00005; 1000 Genomes Project 0.00020; 1000 Genomes Project 30x 0.00031.

Submissions (4):

Labcorp Genetics (formerly Invitae), Labcorp
Classification: Uncertain significance for POLD1-related polyposis and colorectal cancer syndrome. Last evaluated: 2025-10-01. Review status: criteria provided, single submitter. Criteria: Invitae Variant Classification Sherloc (09022015). Collection method: clinical testing. Allele origin: germline.
Comment: This sequence change replaces valine, which is neutral and non-polar, with methionine, which is neutral and non-polar, at codon 945 of the POLD1 protein (p.Val945Met). The frequency data for this variant in the population databases is considered unreliable, as metrics indicate poor data quality at this position in the gnomAD database. This variant has not been reported in the literature in individuals affected with POLD1-related conditions. ClinVar contains an entry for this variant (Variation ID: 469305). Invitae Evidence Modeling of protein sequence and biophysical properties (such as structural, functional, and spatial information, amino acid conservation, physicochemical variation, residue mobility, and thermodynamic stability) indicates that this missense variant is expected to disrupt POLD1 protein function with a positive predictive value of 80%. In summary, the available evidence is currently insufficient to determine the role of this variant in disease. Therefore, it has been classified as a Variant of Uncertain Significance.

Ambry Genetics
Classification: Uncertain significance for Hereditary cancer-predisposing syndrome. Last evaluated: 2025-04-02. Review status: criteria provided, single submitter. Criteria: Ambry Variant Classification Scheme 2023. Collection method: clinical testing. Allele origin: germline.
Comment: The p.V945M variant (also known as c.2833G>A), located in coding exon 22 of the POLD1 gene, results from a G to A substitution at nucleotide position 2833. The valine at codon 945 is replaced by methionine, an amino acid with highly similar properties. This amino acid position is well conserved in available vertebrate species. In addition, the in silico prediction for this alteration is inconclusive. Since supporting evidence is limited at this time, the clinical significance of this alteration remains unclear.

GeneDx
Classification: Uncertain significance. Last evaluated: 2023-10-26. Review status: criteria provided, single submitter. Criteria: GeneDx Variant Classification Process June 2021. Collection method: clinical testing. Allele origin: germline. Affected: yes.
Comment: In silico analysis supports that this missense variant has a deleterious effect on protein structure/function; Has not been previously published as pathogenic or benign to our knowledge; This variant is associated with the following publications: (PMID: YangG2020[abstract])

Genetic Services Laboratory, University of Chicago
Classification: Uncertain significance. Last evaluated: 2017-12-20. Review status: criteria provided, single submitter. Criteria: ACMG Guidelines, 2015. Collection method: clinical testing. Allele origin: germline. Affected: no.

NM_002691.4(POLD1):c.2833G>A (p.Val945Met)

Gene: POLD1 (DNA polymerase delta 1, catalytic subunit; plus strand). Cytogenetic location: 19q13.33.
Variant type: single nucleotide variant.
Coding change: c.2833G>A on transcript NM_002691.4 (MANE Select); coding-DNA position 2833, G replaced by A.
Protein change: p.Val945Met; replaces valine 945 with methionine.
Molecular consequence: missense variant. On other transcripts: non-coding transcript variant (1).
Genome position (GRCh38, 1-based): chr19:50,416,408, G>A. VCF-style: chr19-50416408-G-A. GRCh37 (hg19) VCF-style: chr19-50919665-G-A.
Other names: c.2833G>A, p.Val945Met (NM_001256849.1); c.2911G>A, p.Val971Met (NM_001308632.1); c.2833G>A (NM_002691.2); short protein forms V945M, V971M.
Identifiers: ClinVar variation 469305 (VCV000469305.17), dbSNP rs565328583, ClinGen allele CA9596675.
Genomic context (GRCh38, chr19:50,416,408, plus strand): 5'-CGGTGCCCTTTCCCTGGCTGCCCGGGTGTGACTGCCATGTGGCCGCAGGACCCGCTGTTC[G>A]TGCTGGAGCACAGCCTGCCCATTGACACGCAGTACTACCTGGAGCAGCAGCTGGCCAAGC-3'
Protein context (NP_002682.2, residues 935-955): AYMKSEDPLF[Val945Met]LEHSLPIDTQ